The following is an entry in ClinVar:

ClinVar aggregate classification (germline): Uncertain significance. Review status: criteria provided, multiple submitters, no conflicts (2 of 4 stars). 5 submissions from 5 submitters: Uncertain significance (5). Last evaluated 2025-08-25.

Conditions:
Autosomal recessive limb-girdle muscular dystrophy type 2Q (LGMDR17). Also called: MUSCULAR DYSTROPHY, LIMB-GIRDLE, AUTOSOMAL RECESSIVE 17. Identifiers: Orphanet 254361, MedGen C3150989, MONDO:0013390, OMIM 613723.
Epidermolysis bullosa simplex 5B, with muscular dystrophy (EBS5B). Also called: EPIDERMOLYSIS BULLOSA SIMPLEX AND LIMB-GIRDLE MUSCULAR DYSTROPHY; Epidermolysis bullosa simplex with muscular dystrophy. Identifiers: Orphanet 257, MedGen C2931072, MONDO:0009181, OMIM 226670.
Epidermolysis bullosa simplex, Ogna type (EBS5A). Also called: EPIDERMOLYSIS BULLOSA SIMPLEX 5A, OGNA TYPE; Pidermolysis bullosa simplex 5A, Ogna type. Identifiers: Orphanet 79401, MedGen C0432317, MONDO:0007555, OMIM 131950.
Epidermolysis bullosa simplex 5C, with pyloric atresia (EBS5C). Also called: PLEC-Related Epidermolysis Bullosa with Pyloric Atresia; Epidermolysis bullosa simplex with pyloric atresia; PLEC1-Related Epidermolysis Bullosa with Pyloric Atresia. Identifiers: Orphanet 158684, MedGen C2677349, MONDO:0012807, OMIM 612138.
Epidermolysis bullosa simplex with nail dystrophy (EBS5D). Identifiers: MedGen C4225309, MONDO:0014661, OMIM 616487.

Allele frequency attached by ClinVar (database versions not stated): gnomAD exomes 0.00002; ExAC 0.00003; ESP Exome Variant Server 0.00008; gnomAD 0.00019 and 0.00021; TOPMed 0.00024; 1000 Genomes Project 30x 0.00031; 1000 Genomes Project 0.00020.
gnomAD v4.1: 58 of 1,609,982 alleles (0.0036%); highest among the groups gnomAD compares: African/African-American, 0.057%; no homozygotes.

Submissions (5):

Labcorp Genetics (formerly Invitae), Labcorp
Classification: Uncertain significance for Autosomal recessive limb-girdle muscular dystrophy type 2Q; Epidermolysis bullosa simplex, Ogna type; Epidermolysis bullosa simplex with nail dystrophy; Epidermolysis bullosa simplex 5C, with pyloric atresia; Epidermolysis bullosa simplex 5B, with muscular dystrophy. Last evaluated: 2025-08-25. Review status: criteria provided, single submitter. Criteria: Invitae Variant Classification Sherloc (09022015). Collection method: clinical testing. Allele origin: germline.
Comment: This sequence change replaces arginine, which is basic and polar, with cysteine, which is neutral and slightly polar, at codon 618 of the PLEC protein (p.Arg618Cys). This variant is present in population databases (rs376215217, gnomAD 0.06%). This variant has not been reported in the literature in individuals affected with PLEC-related conditions. ClinVar contains an entry for this variant (Variation ID: 194602). Invitae Evidence Modeling of protein sequence and biophysical properties (such as structural, functional, and spatial information, amino acid conservation, physicochemical variation, residue mobility, and thermodynamic stability) indicates that this missense variant is not expected to disrupt PLEC protein function with a negative predictive value of 80%. In summary, the available evidence is currently insufficient to determine the role of this variant in disease. Therefore, it has been classified as a Variant of Uncertain Significance.

GeneDx
Classification: Uncertain significance. Last evaluated: 2024-09-17. Review status: criteria provided, single submitter. Criteria: GeneDx Variant Classification Process June 2021. Collection method: clinical testing. Allele origin: germline. Affected: yes.
Comment: In silico analysis supports that this missense variant has a deleterious effect on protein structure/function; Missense variant in a gene in which most reported pathogenic variants are truncating/loss of function; Has not been previously published as pathogenic or benign to our knowledge

Revvity Omics, Revvity
Classification: Uncertain significance. Last evaluated: 2022-05-12. Review status: criteria provided, single submitter. Criteria: ACMG Guidelines, 2015. Collection method: clinical testing. Allele origin: germline.

Mayo Clinic Laboratories, Mayo Clinic
Classification: Uncertain significance. Last evaluated: 2020-03-19. Review status: criteria provided, single submitter. Criteria: ACMG Guidelines, 2015. Collection method: clinical testing. Allele origin: germline. Observed: 1 variant allele.

Eurofins Ntd Llc (ga)
Classification: Uncertain significance. Last evaluated: 2016-09-18. Review status: criteria provided, single submitter. Criteria: EGL Classification Definitions 2015. Collection method: clinical testing. Allele origin: germline. Observed: 3 variant alleles, 3 heterozygotes.

NM_201384.3(PLEC):c.1771C>T (p.Arg591Cys)

Gene: PLEC (plectin; minus strand). Cytogenetic location: 8q24.3.
Variant type: single nucleotide variant.
Coding change: c.1771C>T on transcript NM_201384.3 (MANE Select); coding-DNA position 1771, C replaced by T.
Protein change: p.Arg591Cys; replaces arginine 591 with cysteine.
Molecular consequence: missense variant.
Genome position (GRCh38, 1-based): chr8:143,932,679, G>A on the plus strand (C>T on the coding strand, the complement: PLEC is on the minus strand). VCF-style: chr8-143932679-G-A. GRCh37 (hg19) VCF-style: chr8-145006847-G-A.
Other names: c.1852C>T, p.Arg618Cys (NM_000445.5); c.1729C>T, p.Arg577Cys (NM_201378.4); c.1705C>T, p.Arg569Cys (NM_201379.3); c.2182C>T, p.Arg728Cys (NM_201380.4); c.1675C>T, p.Arg559Cys (NM_201381.3); c.1771C>T, p.Arg591Cys (NM_201382.4); c.1783C>T, p.Arg595Cys (NM_201383.3); c.1852C>T (NM_000445.3); short protein forms R559C, R569C, R577C, R591C, R595C, R618C, R728C.
Identifiers: ClinVar variation 194602 (VCV000194602.18), dbSNP rs376215217, ClinGen allele CA240660.